The following is an entry in ClinVar:

NM_003632.3(CNTNAP1):c.2599G>A (p.Asp867Asn)

Gene: CNTNAP1 (contactin associated protein 1; plus strand). Cytogenetic location: 17q21.2.
Variant type: single nucleotide variant.
Coding change: c.2599G>A on transcript NM_003632.3 (MANE Select); coding-DNA position 2599, G replaced by A.
Protein change: p.Asp867Asn; replaces aspartic acid 867 with asparagine.
Molecular consequence: missense variant.
Genome position (GRCh38, 1-based): chr17:42,692,567, G>A. VCF-style: chr17-42692567-G-A. GRCh37 (hg19) VCF-style: chr17-40844585-G-A.
Other names: short protein forms D867N.
Identifiers: ClinVar variation 1314531 (VCV001314531.6), dbSNP rs761376045, ClinGen allele CA8582095.

ClinVar aggregate classification (germline): Uncertain significance. Review status: criteria provided, multiple submitters, no conflicts (2 of 4 stars). 3 submissions from 3 submitters: Uncertain significance (3). Last evaluated 2025-02-10.

Conditions:
Inborn genetic diseases. Identifiers: MedGen C0950123, MeSH D030342.

Allele frequency attached by ClinVar (database versions not stated): gnomAD 0.00001; ExAC 0.00002; TOPMed 0.00002; gnomAD exomes 0.00003 and 0.00004.
gnomAD v4.1: 44 of 1,614,074 alleles (0.0027%); highest among the groups gnomAD compares: Admixed American, 0.015%; no homozygotes.

Submissions (3):

Labcorp Genetics (formerly Invitae), Labcorp
Classification: Uncertain significance. Last evaluated: 2025-02-10. Review status: criteria provided, single submitter. Criteria: Invitae Variant Classification Sherloc (09022015). Collection method: clinical testing. Allele origin: germline.
Comment: This sequence change replaces aspartic acid, which is acidic and polar, with asparagine, which is neutral and polar, at codon 867 of the CNTNAP1 protein (p.Asp867Asn). This variant is present in population databases (rs761376045, gnomAD 0.02%). This variant has not been reported in the literature in individuals affected with CNTNAP1-related conditions. ClinVar contains an entry for this variant (Variation ID: 1314531). An algorithm developed to predict the effect of missense changes on protein structure and function (PolyPhen-2) suggests that this variant is likely to be tolerated. In summary, the available evidence is currently insufficient to determine the role of this variant in disease. Therefore, it has been classified as a Variant of Uncertain Significance.

Ambry Genetics
Classification: Uncertain significance for Inborn genetic diseases. Last evaluated: 2023-12-07. Review status: criteria provided, single submitter. Criteria: Ambry Variant Classification Scheme 2023. Collection method: clinical testing. Allele origin: germline.

GeneDx
Classification: Uncertain significance. Last evaluated: 2021-04-05. Review status: criteria provided, single submitter. Criteria: GeneDx Variant Classification Process June 2021. Collection method: clinical testing. Allele origin: germline. Affected: yes.
Comment: In silico analysis supports that this missense variant does not alter protein structure/function; Has not been previously published as pathogenic or benign to our knowledge